The following is an entry in ClinVar:

ClinVar aggregate classification (germline): Uncertain significance. Review status: criteria provided, multiple submitters, no conflicts (2 of 4 stars). 2 submissions from 2 submitters: Uncertain significance (2). Last evaluated 2022-11-11.

Conditions:
Heterotaxy, visceral, 7, autosomal (HTX7). Identifiers: Orphanet 450, MedGen C4225217, MONDO:0014762, OMIM 616749.
MMP21-related disorder. Also called: MMP21-related condition.

Allele frequency attached by ClinVar (database versions not stated): gnomAD 0.00037 and 0.00042; gnomAD exomes 0.00039 and 0.00084; ExAC 0.00044; TOPMed 0.00050; ESP Exome Variant Server 0.00092.

Submissions (2):

PreventionGenetics, part of Exact Sciences
Classification: Uncertain significance for MMP21-related condition. Last evaluated: 2022-11-11. Review status: criteria provided, single submitter. Criteria: ACMG Guidelines, 2015. Collection method: clinical testing. Allele origin: germline.
Comment: The MMP21 c.890C>T variant is predicted to result in the amino acid substitution p.Thr297Met. To our knowledge, this variant has not been reported in the literature. This variant is reported in 0.073% of alleles in individuals of European (Non-Finnish) descent in gnomAD. At this time, the clinical significance of this variant is uncertain due to the absence of conclusive functional and genetic evidence.

Baylor Genetics
Classification: Uncertain significance for Heterotaxy, visceral, 7, autosomal. Last evaluated: 2019-06-07. Review status: criteria provided, single submitter. Criteria: ACMG Guidelines, 2015. Collection method: clinical testing. Allele origin: unknown. Affected: yes.
Comment: This variant was determined to be of uncertain significance according to ACMG Guidelines, 2015 [PMID:25741868].

NM_147191.1(MMP21):c.890C>T (p.Thr297Met)

Gene: MMP21 (matrix metallopeptidase 21; minus strand). Cytogenetic location: 10q26.2.
Variant type: single nucleotide variant.
Coding change: c.890C>T on transcript NM_147191.1 (MANE Select); coding-DNA position 890, C replaced by T.
Protein change: p.Thr297Met; replaces threonine 297 with methionine.
Molecular consequence: missense variant.
Genome position (GRCh38, 1-based): chr10:125,772,307, G>A on the plus strand (C>T on the coding strand, the complement: MMP21 is on the minus strand). VCF-style: chr10-125772307-G-A. GRCh37 (hg19) VCF-style: chr10-127460876-G-A.
Other names: short protein forms T297M.
Identifiers: ClinVar variation 1027777 (VCV001027777.2), dbSNP rs150851206, ClinGen allele CA5738080.